The following is an entry in ClinVar:

NM_152594.3(SPRED1):c.931T>C (p.Phe311Leu)

Gene: SPRED1 (sprouty related EVH1 domain containing 1; plus strand). Cytogenetic location: 15q14.
Variant type: single nucleotide variant.
Coding change: c.931T>C on transcript NM_152594.3 (MANE Select); coding-DNA position 931, T replaced by C.
Protein change: p.Phe311Leu; replaces phenylalanine 311 with leucine.
Molecular consequence: missense variant.
Genome position (GRCh38, 1-based): chr15:38,351,260, T>C. VCF-style: chr15-38351260-T-C. GRCh37 (hg19) VCF-style: chr15-38643461-T-C.
Other names: c.931T>C (NM_152594.2); short protein forms F311L.
Identifiers: ClinVar variation 1394112 (VCV001394112.10), dbSNP rs375700452, ClinGen allele CA269293451.

ClinVar aggregate classification (germline): Uncertain significance. Review status: criteria provided, multiple submitters, no conflicts (2 of 4 stars). 2 submissions from 2 submitters: Uncertain significance (2). Last evaluated 2026-04-11.

Conditions:
Cardiovascular phenotype. Identifiers: MedGen CN230736.
Legius syndrome. Identifiers: Orphanet 137605, MedGen C1969623, MONDO:0012669, OMIM 611431. Disease mechanism: loss of function.

Allele frequency attached by ClinVar (database versions not stated): gnomAD exomes below 0.00001; ESP Exome Variant Server 0.00008.
gnomAD v4.1: 1 of 1,614,070 alleles (0.000062%); highest among the groups gnomAD compares: Non-Finnish European, 0.000085%; no homozygotes.

Submissions (2):

Ambry Genetics
Classification: Uncertain significance for Cardiovascular phenotype. Last evaluated: 2026-04-11. Review status: criteria provided, single submitter. Criteria: Ambry Variant Classification Scheme 2023. Collection method: clinical testing. Allele origin: germline.

Labcorp Genetics (formerly Invitae), Labcorp
Classification: Uncertain significance for Legius syndrome. Last evaluated: 2021-06-13. Review status: criteria provided, single submitter. Criteria: Invitae Variant Classification Sherloc (09022015). Collection method: clinical testing. Allele origin: germline.
Comment: In summary, the available evidence is currently insufficient to determine the role of this variant in disease. Therefore, it has been classified as a Variant of Uncertain Significance. Algorithms developed to predict the effect of missense changes on protein structure and function (SIFT, PolyPhen-2, Align-GVGD) all suggest that this variant is likely to be tolerated, but these predictions have not been confirmed by published functional studies and their clinical significance is uncertain. This variant has not been reported in the literature in individuals with SPRED1-related conditions. This variant is not present in population databases (ExAC no frequency). This sequence change replaces phenylalanine with leucine at codon 311 of the SPRED1 protein (p.Phe311Leu). The phenylalanine residue is moderately conserved and there is a small physicochemical difference between phenylalanine and leucine.